The following is an entry in ClinVar:

ClinVar aggregate classification (germline): Uncertain significance (1 of 4 stars; one submission).

Conditions:
Developmental and epileptic encephalopathy, 53. Also called: Epileptic encephalopathy, early infantile, 53. Identifiers: MedGen C4479313, MONDO:0033362, OMIM 617389.
Early-onset Parkinson disease 20. Also called: PARKINSON DISEASE 20, AUTOSOMAL RECESSIVE EARLY-ONSET. Identifiers: Orphanet 391411, MedGen C3809824, MONDO:0014233, OMIM 615530.

Allele frequency attached by ClinVar (database versions not stated): ExAC 0.00002; gnomAD exomes 0.00005 and 0.00013; TOPMed 0.00006; gnomAD 0.00007 and 0.00009.
gnomAD v4.1: 210 of 1,613,960 alleles (0.013%); highest among the groups gnomAD compares: Non-Finnish European, 0.017%; 1 homozygote.

Submission:

Labcorp Genetics (formerly Invitae), Labcorp
Classification: Uncertain significance for Developmental and epileptic encephalopathy, 53; Early-onset Parkinson disease 20. Last evaluated: 2024-10-30. Review status: criteria provided, single submitter. Criteria: Invitae Variant Classification Sherloc (09022015). Collection method: clinical testing. Allele origin: germline.
Comment: This sequence change replaces alanine, which is neutral and non-polar, with threonine, which is neutral and polar, at codon 234 of the SYNJ1 protein (p.Ala234Thr). This variant is present in population databases (rs774367309, gnomAD 0.01%). This variant has not been reported in the literature in individuals affected with SYNJ1-related conditions. ClinVar contains an entry for this variant (Variation ID: 653212). Invitae Evidence Modeling of protein sequence and biophysical properties (such as structural, functional, and spatial information, amino acid conservation, physicochemical variation, residue mobility, and thermodynamic stability) indicates that this missense variant is not expected to disrupt SYNJ1 protein function with a negative predictive value of 80%. In summary, the available evidence is currently insufficient to determine the role of this variant in disease. Therefore, it has been classified as a Variant of Uncertain Significance.

NM_203446.3(SYNJ1):c.583G>A (p.Ala195Thr)

Gene: SYNJ1 (synaptojanin 1; minus strand). Cytogenetic location: 21q22.11.
Variant type: single nucleotide variant.
Coding change: c.583G>A on transcript NM_203446.3 (MANE Select); coding-DNA position 583, G replaced by A.
Protein change: p.Ala195Thr; replaces alanine 195 with threonine.
Molecular consequence: missense variant.
Genome position (GRCh38, 1-based): chr21:32,695,179, C>T on the plus strand (G>A on the coding strand, the complement: SYNJ1 is on the minus strand). VCF-style: chr21-32695179-C-T. GRCh37 (hg19) VCF-style: chr21-34067489-C-T.
Other names: c.583G>A, p.Ala195Thr (NM_001160302.2, NM_001160306.2); c.700G>A, p.Ala234Thr (NM_003895.4); short protein forms A195T, A234T.
Identifiers: ClinVar variation 653212 (VCV000653212.8), dbSNP rs774367309, ClinGen allele CA10004105.